The following is an entry in ClinVar:

ClinVar aggregate classification (germline): Uncertain significance. Review status: criteria provided, multiple submitters, no conflicts (2 of 4 stars). 3 submissions from 2 submitters: Uncertain significance (3). Last evaluated 2022-09-28.

Conditions:
Autosomal recessive nonsyndromic hearing loss 21. Identifiers: Orphanet 90636, MedGen C1863655, MONDO:0011351, OMIM 603629.
Autosomal dominant nonsyndromic hearing loss 12. Also called: DEAFNESS, AUTOSOMAL DOMINANT 8. Identifiers: Orphanet 90635, MedGen C1832187, MONDO:0011102, OMIM 601543.

Allele frequency attached by ClinVar (database versions not stated): TOPMed 0.00002.

Submissions (3):

Labcorp Genetics (formerly Invitae), Labcorp
Classification: Uncertain significance. Last evaluated: 2022-09-28. Review status: criteria provided, single submitter. Criteria: Invitae Variant Classification Sherloc (09022015). Collection method: clinical testing. Allele origin: germline.
Comment: In summary, the available evidence is currently insufficient to determine the role of this variant in disease. Therefore, it has been classified as a Variant of Uncertain Significance. Variants that disrupt the consensus splice site are a relatively common cause of aberrant splicing (PMID: 17576681, 9536098). Algorithms developed to predict the effect of sequence changes on RNA splicing suggest that this variant is not likely to affect RNA splicing. ClinVar contains an entry for this variant (Variation ID: 303006). This variant has not been reported in the literature in individuals affected with TECTA-related conditions. This variant is present in population databases (rs555970010, gnomAD 0.01%). This sequence change falls in intron 8 of the TECTA gene. It does not directly change the encoded amino acid sequence of the TECTA protein. It affects a nucleotide within the consensus splice site.

Illumina Laboratory Services, Illumina
Classification: Uncertain significance for Autosomal recessive nonsyndromic hearing loss 21. Last evaluated: 2018-01-13. Review status: criteria provided, single submitter. Criteria: ICSL Variant Classification Criteria 13 December 2019. Collection method: clinical testing. Allele origin: germline.

Illumina Laboratory Services, Illumina
Classification: Uncertain significance for Autosomal dominant nonsyndromic hearing loss 12. Last evaluated: 2018-01-13. Review status: criteria provided, single submitter. Criteria: ICSL Variant Classification Criteria 13 December 2019. Collection method: clinical testing. Allele origin: germline.

Literature cited by the submitters: PubMed 17576681 (cited by Labcorp Genetics (formerly Invitae), Labcorp); PubMed 9536098 (cited by Labcorp Genetics (formerly Invitae), Labcorp).

NM_005422.4(TECTA):c.2367+6G>T

Genes: TBCEL-TECTA (TBCEL-TECTA readthrough; plus strand), TECTA (tectorin alpha; plus strand). Cytogenetic location: 11q23.3.
Variant type: single nucleotide variant.
Coding change: c.2367+6G>T on transcript NM_005422.4 (MANE Select); 6 bases into the intron after coding-DNA position 2367, G replaced by T.
Molecular consequence: intron variant.
Genome position (GRCh38, 1-based): chr11:121,128,350, G>T. VCF-style: chr11-121128350-G-T. GRCh37 (hg19) VCF-style: chr11-120999059-G-T.
Other names: c.3324+6G>T (NM_001378761.1).
Identifiers: ClinVar variation 303006 (VCV000303006.9), dbSNP rs555970010, ClinGen allele CA6326969.